The following is an entry in ClinVar:

ClinVar aggregate classification (germline): Likely benign. Review status: criteria provided, single submitter (1 of 4 stars). 2 submissions from 2 submitters: Likely benign (1). 1 of the submissions does not count toward it. Last evaluated 2025-11-24.

Conditions:
COG4-related disorder. Also called: COG4-related condition.
COG4-congenital disorder of glycosylation. Also called: CONGENITAL DISORDER OF GLYCOSYLATION, TYPE IIj; CDG IIj; COG4-CDG. Identifiers: Orphanet 263501, MedGen C4303552, MONDO:0013281, OMIM 613489.

Allele frequency attached by ClinVar (database versions not stated): 1000 Genomes Project 0.00020; 1000 Genomes Project 30x 0.00031; gnomAD 0.00061; ESP Exome Variant Server 0.00092; TOPMed 0.00107.
gnomAD v4.1: 212 of 1,614,154 alleles (0.013%); highest among the groups gnomAD compares: African/African-American, 0.27%; no homozygotes.

Submissions (2):

Labcorp Genetics (formerly Invitae), Labcorp
Classification: Likely benign for COG4-congenital disorder of glycosylation. Last evaluated: 2025-11-24. Review status: criteria provided, single submitter. Criteria: Invitae Variant Classification Sherloc (09022015). Collection method: clinical testing. Allele origin: germline.

PreventionGenetics, part of Exact Sciences
Classification: Likely benign for COG4-related condition. Last evaluated: 2019-03-13. Review status: no assertion criteria provided. Collection method: clinical testing. Allele origin: germline. Not counted in ClinVar's aggregate classification.
Comment: This variant is classified as likely benign based on ACMG/AMP sequence variant interpretation guidelines (Richards et al. 2015 PMID: 25741868, with internal and published modifications).

NM_015386.3(COG4):c.171+3G>A

Gene: COG4 (component of oligomeric golgi complex 4; minus strand). Cytogenetic location: 16q22.1.
Variant type: single nucleotide variant.
Coding change: c.171+3G>A on transcript NM_015386.3 (MANE Select); 3 bases into the intron after coding-DNA position 171, G replaced by A.
Molecular consequence: intron variant.
Genome position (GRCh38, 1-based): chr16:70,523,370, C>T on the plus strand (G>A on the coding strand, the complement: COG4 is on the minus strand). VCF-style: chr16-70523370-C-T. GRCh37 (hg19) VCF-style: chr16-70557273-C-T.
Other names: c.159+3G>A (NM_001195139.2); c.-429+3G>A (NM_001365426.1).
Identifiers: ClinVar variation 320382 (VCV000320382.12), dbSNP rs368602741, ClinGen allele CA8144815.
Genomic context (GRCh38, chr16:70,523,370, plus strand): 5'-CCCGACTGAAGGCTCCCACTCTCCCTAGATCCTCCATGAAAAAGAAGAGGCTCGACCCCG[C>T]ACCTCCTCGCCGCAGAGCCGTTCGTATACAGCCTCCAGCTCCTGCAGCTCTGTCAGGGAG-3'